The following is an entry in ClinVar:

ClinVar aggregate classification (germline): Uncertain significance (1 of 4 stars; one submission).

gnomAD v4.1: 7 of 1,613,368 alleles (0.00043%); highest among the groups gnomAD compares: South Asian, 0.0066%; no homozygotes.

Submission:

Ambry Genetics
Classification: Uncertain significance. Last evaluated: 2026-02-16. Review status: criteria provided, single submitter. Criteria: Ambry Variant Classification Scheme 2023. Collection method: clinical testing. Allele origin: germline.
Comment: The c.10484C>T (p.T3495I) alteration is located in exon 3 (coding exon 3) of the MUC17 gene. This alteration results from a C to T substitution at nucleotide position 10484, causing the threonine (T) at amino acid position 3495 to be replaced by an isoleucine (I). Based on data from gnomAD, the T allele has an overall frequency of <0.001% (1/251292) total alleles studied. The highest observed frequency was 0.003% (1/30600) of South Asian alleles. Based on insufficient or conflicting evidence, the clinical significance of this alteration remains unclear.

NM_001040105.2(MUC17):c.10484C>T (p.Thr3495Ile)

Gene: MUC17 (mucin 17, cell surface associated; plus strand). Cytogenetic location: 7q22.1.
Variant type: single nucleotide variant.
Coding change: c.10484C>T on transcript NM_001040105.2 (MANE Select); coding-DNA position 10484, C replaced by T.
Protein change: p.Thr3495Ile; replaces threonine 3495 with isoleucine.
Molecular consequence: missense variant. On other transcripts: non-coding transcript variant (1).
Genome position (GRCh38, 1-based): chr7:101,041,900, C>T. VCF-style: chr7-101041900-C-T. GRCh37 (hg19) VCF-style: chr7-100685181-C-T.
Other names: short protein forms T3495I.
Identifiers: ClinVar variation 4829358 (VCV004829358.1).